The following is an entry in ClinVar:

ClinVar aggregate classification (germline): Conflicting classifications of pathogenicity. Review status: criteria provided, conflicting classifications (1 of 4 stars). 5 submissions from 5 submitters: Uncertain significance (4); Likely benign (1). Last evaluated 2022-03-07.

Conditions:
Cardiovascular phenotype. Identifiers: MedGen CN230736.

Allele frequency attached by ClinVar (database versions not stated): ExAC 0.00002; gnomAD 0.00009 and 0.00008; TOPMed 0.00010; ESP Exome Variant Server 0.00025; gnomAD exomes 0.00001 and 0.00002.
gnomAD v4.1: 25 of 1,612,620 alleles (0.0016%); highest among the groups gnomAD compares: African/African-American, 0.028%; no homozygotes.

Submissions (5):

Revvity Omics, Revvity
Classification: Uncertain significance. Last evaluated: 2022-03-07. Review status: criteria provided, single submitter. Criteria: ACMG Guidelines, 2015. Collection method: clinical testing. Allele origin: germline.

Women's Health and Genetics/Laboratory Corporation of America, LabCorp
Classification: Uncertain significance. Last evaluated: 2021-11-15. Review status: criteria provided, single submitter. Criteria: LabCorp Variant Classification Summary - May 2015. Collection method: clinical testing. Allele origin: germline.

Ambry Genetics
Classification: Likely benign for Cardiovascular phenotype. Last evaluated: 2020-03-12. Review status: criteria provided, single submitter. Criteria: Ambry Variant Classification Scheme 2023. Collection method: clinical testing. Allele origin: germline.

Laboratory for Molecular Medicine, Mass General Brigham Personalized Medicine
Classification: Uncertain significance. Last evaluated: 2013-05-03. Review status: criteria provided, single submitter. Criteria: LMM Criteria. Collection method: clinical testing. Allele origin: germline. Observed: 1 variant allele.
Comment: Variant classified as Uncertain Significance - Favor Benign. The Asn13180His var iant in TTN has not been reported in individuals with cardiomyopathy, but has be en identified in 3/3806 African American chromosomes by the NHLBI Exome Sequenci ng Project. Asparagine (Asn) at position 13 180 is poorly conserved in evolution, including in mammals, suggesting that a ch ange at this position would be tolerated. Other computational analyses (biochemi cal amino acid properties, AlignGVGD, PolyPhen2, and SIFT) also suggest that thi s variant may not impact the protein, though this information is not predictive enough to rule out pathogenicity. The presence of the variant in the general pop ulation and poor evolutionary conservation suggest that the Asn13180His variant may be benign; however, additional studies are needed to fully assess its clinic al significance.

Eurofins Ntd Llc (ga)
Classification: Uncertain significance. Last evaluated: 2013-03-12. Review status: criteria provided, single submitter. Criteria: EGL Classification Definitions 2015. Collection method: clinical testing. Allele origin: germline. Observed: 1 variant allele, 1 heterozygote.

NM_001267550.2(TTN):c.47242A>C (p.Asn15748His)

Genes: TTN (titin; minus strand), TTN-AS1 (TTN antisense RNA 1; plus strand). Cytogenetic location: 2q31.2.
Variant type: single nucleotide variant.
Coding change: c.47242A>C on transcript NM_001267550.2 (MANE Select); coding-DNA position 47242, A replaced by C.
Protein change: p.Asn15748His; replaces asparagine 15748 with histidine.
Molecular consequence: missense variant.
Genome position (GRCh38, 1-based): chr2:178,618,216, T>G on the plus strand (A>C on the coding strand, the complement: TTN is on the minus strand). VCF-style: chr2-178618216-T-G. GRCh37 (hg19) VCF-style: chr2-179482943-T-G.
Other names: c.42319A>C, p.Asn14107His (NM_001256850.1); c.20047A>C, p.Asn6683His (NM_003319.4); c.39538A>C, p.Asn13180His (NM_133378.4); c.20422A>C, p.Asn6808His (NM_133432.3); c.20623A>C, p.Asn6875His (NM_133437.4); short protein forms N13180H, N15748H, N14107H, N6875H, N6683H, N6808H.
Identifiers: ClinVar variation 96292 (VCV000096292.16), dbSNP rs368988689, ClinGen allele CA181785.